The following is an entry in ClinVar:

NM_024642.5(GALNT12):c.1208G>A (p.Arg403His)

Gene: GALNT12 (polypeptide N-acetylgalactosaminyltransferase 12; plus strand). Cytogenetic location: 9q22.33.
Variant type: single nucleotide variant.
Coding change: c.1208G>A on transcript NM_024642.5 (MANE Select); coding-DNA position 1208, G replaced by A.
Protein change: p.Arg403His; replaces arginine 403 with histidine.
Molecular consequence: missense variant.
Genome position (GRCh38, 1-based): chr9:98,837,144, G>A. VCF-style: chr9-98837144-G-A. GRCh37 (hg19) VCF-style: chr9-101599426-G-A.
Other names: short protein forms R403H.
Identifiers: ClinVar variation 410583 (VCV000410583.23), dbSNP rs776700061, ClinGen allele CA5154186.

ClinVar aggregate classification (germline): Uncertain significance. Review status: criteria provided, multiple submitters, no conflicts (2 of 4 stars). 5 submissions from 5 submitters: Uncertain significance (5). Last evaluated 2025-11-08.

Conditions:
GALNT12-related disorder. Also called: GALNT12-related condition.
Colorectal cancer, susceptibility to, 1. Also called: COLORECTAL ADENOMA AND CANCER, SUSCEPTIBILITY TO; COLORECTAL CANCER, SUSCEPTIBILITY TO, ON CHROMOSOME 9. Identifiers: MedGen C1837315, MONDO:0012132, OMIM 608812.

Allele frequency attached by ClinVar (database versions not stated): ExAC 0.00004; gnomAD 0.00005; gnomAD exomes 0.00006 and 0.00014; TOPMed 0.00008.
gnomAD v4.1: 217 of 1,613,994 alleles (0.013%); highest among the groups gnomAD compares: South Asian, 0.018%; no homozygotes.

Submissions (5):

Quest Diagnostics Nichols Institute San Juan Capistrano
Classification: Uncertain significance. Last evaluated: 2025-11-08. Review status: criteria provided, single submitter. Criteria: Quest Diagnostics criteria. Collection method: clinical testing. Allele origin: unknown.
Comment: The GALNT12 c.1208G>A (p.Arg403His) variant has not been reported in individuals with GALNT12-related conditions in the published literature. The frequency of this variant in the general population (Genome Aggregation Database) is uninformative in the assessment of its pathogenicity. Analysis of this variant using bioinformatics tools for the prediction of the effect of amino acid changes on protein structure and function yielded predictions that this variant is damaging. Based on the available information, we are unable to determine the clinical significance of this variant.

Labcorp Genetics (formerly Invitae), Labcorp
Classification: Uncertain significance. Last evaluated: 2025-09-19. Review status: criteria provided, single submitter. Criteria: Invitae Variant Classification Sherloc (09022015). Collection method: clinical testing. Allele origin: germline.
Comment: This sequence change replaces arginine, which is basic and polar, with histidine, which is basic and polar, at codon 403 of the GALNT12 protein (p.Arg403His). This variant is present in population databases (rs776700061, gnomAD 0.01%). This variant has not been reported in the literature in individuals affected with GALNT12-related conditions. ClinVar contains an entry for this variant (Variation ID: 410583). Invitae Evidence Modeling of protein sequence and biophysical properties (such as structural, functional, and spatial information, amino acid conservation, physicochemical variation, residue mobility, and thermodynamic stability) indicates that this missense variant is not expected to disrupt GALNT12 protein function with a negative predictive value of 80%. In summary, the available evidence is currently insufficient to determine the role of this variant in disease. Therefore, it has been classified as a Variant of Uncertain Significance.

PreventionGenetics, part of Exact Sciences
Classification: Uncertain significance for GALNT12-related condition. Last evaluated: 2025-06-24. Review status: criteria provided, single submitter. Criteria: ACMG Guidelines, 2015. Collection method: clinical testing. Allele origin: germline.
Comment: The GALNT12 c.1208G>A variant is predicted to result in the amino acid substitution p.Arg403His. To our knowledge, this variant has not been reported in the literature. This variant is reported in 0.013% of alleles in individuals of South Asian descent in gnomAD and is interpreted as uncertain in ClinVar. At this time, the clinical significance of this variant is uncertain due to the absence of conclusive functional and genetic evidence.

Ambry Genetics
Classification: Uncertain significance. Last evaluated: 2024-08-04. Review status: criteria provided, single submitter. Criteria: Ambry Variant Classification Scheme 2023. Collection method: clinical testing. Allele origin: germline.
Comment: The p.R403H variant (also known as c.1208G>A), located in coding exon 6 of the GALNT12 gene, results from a G to A substitution at nucleotide position 1208. The arginine at codon 403 is replaced by histidine, an amino acid with highly similar properties. This amino acid position is highly conserved in available vertebrate species. In addition, this alteration is predicted to be deleterious by in silico analysis. Since supporting evidence is limited at this time, the clinical significance of this alteration remains unclear.

Baylor Genetics
Classification: Uncertain significance for Colorectal cancer, susceptibility to, 1. Last evaluated: 2024-03-11. Review status: criteria provided, single submitter. Criteria: ACMG Guidelines, 2015. Collection method: clinical testing. Allele origin: unknown.